The following is an entry in ClinVar:

ClinVar aggregate classification (germline): Pathogenic (1 of 4 stars; one submission).

Conditions:
DICER1-related tumor predisposition. Also called: DICER1-related pleuropulmonary blastoma cancer predisposition syndrome; DICER1 syndrome. Identifiers: Orphanet 284343, MedGen C3839822, MONDO:0100216.

Submission:

Foulkes Cancer Genetics LDI, Lady Davis Institute for Medical Research
Classification: Pathogenic for Pleuropulmonary blastoma. Last evaluated: 2019-07-01. Review status: criteria provided, single submitter. Criteria: ACMG Guidelines, 2015. Collection method: curation. Allele origin: germline. Affected: yes. Observed: 1 variant allele.
Comment: ACMG criteria met: PVS1, PM2, PP4

Literature cited by the submitters: PubMed 29538609.

NM_177438.3(DICER1):c.3176_3177dup (p.Arg1060fs)

Gene: DICER1 (dicer 1, ribonuclease III; minus strand). Cytogenetic location: 14q32.13.
Variant type: Duplication.
Coding change: c.3176_3177dup on transcript NM_177438.3 (MANE Select); coding-DNA positions 3176 to 3177, 2 bases duplicated (AT; older notation c.3176_3177dupAT).
Protein change: p.Arg1060fs; shifts the reading frame from arginine 1060.
Molecular consequence: frameshift variant.
Genome position (GRCh38, 1-based): chr14:95,105,163-95,105,164, AT duplicated on the plus strand (AT on the coding strand, the reverse complement: DICER1 is on the minus strand); duplicating any 2 consecutive bases within chr14:95,105,163-95,105,165 gives the same sequence; the c. name uses the placement nearest the transcript's 3' end. VCF-style (leftmost placement, unchanged base first): chr14-95105162-G-GAT. GRCh37 (hg19) VCF-style: chr14-95571499-G-GAT.
Other names: c.3176_3177dup, p.Arg1060fs (NM_001195573.1, NM_001271282.3, NM_001291628.2 and 1 more transcripts); short protein forms R1060fs.
Identifiers: ClinVar variation 933111 (VCV000933111.3), dbSNP rs1891300902, ClinGen allele CA1139663639.
Genomic context (GRCh38, chr14:95,105,162, plus strand): 5'-CGCCAGCATCGCTGGCAGTCTGGGCTCTTAGCTCCTCTGCAGTCAAAAGGCAGTGAAGGC[G>GAT]ATAAAGTATGCTGGGGAGACAAACAGCTTTTCTCCACAGTGATGCTGGAATTGGATGTAT-3'